The following is an entry in ClinVar:

ClinVar aggregate classification (germline): Uncertain significance (1 of 4 stars; one submission).

Conditions:
Hereditary cancer-predisposing syndrome. Also called: Neoplastic Syndromes, Hereditary; Tumor predisposition; Hereditary neoplastic syndrome; Hereditary Cancer Syndrome. Identifiers: Orphanet 140162, MedGen C0027672, MeSH D009386, MONDO:0015356.

Submission:

Ambry Genetics
Classification: Uncertain significance for Hereditary cancer-predisposing syndrome. Last evaluated: 2022-12-27. Review status: criteria provided, single submitter. Criteria: Ambry Variant Classification Scheme 2023. Collection method: clinical testing. Allele origin: germline.
Comment: The p.R1303P variant (also known as c.3908G>C), located in coding exon 23 of the PTCH1 gene, results from a G to C substitution at nucleotide position 3908. The arginine at codon 1303 is replaced by proline, an amino acid with dissimilar properties. This amino acid position is conserved. In addition, the in silico prediction for this alteration is inconclusive. Since supporting evidence is limited at this time, the clinical significance of this alteration remains unclear.

NM_000264.5(PTCH1):c.3908G>C (p.Arg1303Pro)

Gene: PTCH1 (patched 1; minus strand). Cytogenetic location: 9q22.32.
Variant type: single nucleotide variant.
Coding change: c.3908G>C on transcript NM_000264.5 (MANE Select); coding-DNA position 3908, G replaced by C.
Protein change: p.Arg1303Pro; replaces arginine 1303 with proline.
Molecular consequence: missense variant. On other transcripts: non-coding transcript variant (1).
Genome position (GRCh38, 1-based): chr9:95,447,348, C>G on the plus strand (G>C on the coding strand, the complement: PTCH1 is on the minus strand). VCF-style: chr9-95447348-C-G. GRCh37 (hg19) VCF-style: chr9-98209630-C-G.
Other names: c.3710G>C, p.Arg1237Pro (NM_001083602.3); c.3905G>C, p.Arg1302Pro (NM_001083603.3); c.3455G>C, p.Arg1152Pro (NM_001083604.3, NM_001083605.3, NM_001083606.3 and 1 more transcripts); c.3752G>C, p.Arg1251Pro (NM_001354918.2); short protein forms R1237P, R1303P, R1152P, R1302P, R1251P.
Identifiers: ClinVar variation 2449654 (VCV002449654.2), dbSNP rs779365332, ClinGen allele CA374110682.
Genomic context (GRCh38, chr9:95,447,348, plus strand): 5'-AAAGCGTCTCTGCGCGGTCTGTAGGGGGGTGGCCACAAGCCTTCTCTGGGGGGGTCCCTG[C>G]GGGGCTGCTGGCCTTGCCGTCCGGGAGGCAGGGACCCTGAGTCCAGGTGGGGCTGCTGTC-3'
Protein context (NP_000255.2, residues 1293-1313): LPPGRQGQQP[Arg1303Pro]RDPPREGLWP